The following is an entry in ClinVar:

NM_001290060.2(SEMA3B):c.1869G>C (p.Glu623Asp)

Gene: SEMA3B (semaphorin 3B; plus strand). Cytogenetic location: 3p21.31.
Variant type: single nucleotide variant.
Coding change: c.1869G>C on transcript NM_001290060.2 (MANE Select); coding-DNA position 1869, G replaced by C.
Protein change: p.Glu623Asp; replaces glutamic acid 623 with aspartic acid.
Molecular consequence: missense variant. On other transcripts: non-coding transcript variant (1).
Genome position (GRCh38, 1-based): chr3:50,276,325, G>C. VCF-style: chr3-50276325-G-C. GRCh37 (hg19) VCF-style: chr3-50313756-G-C.
Other names: c.1866G>C, p.Glu622Asp (NM_001005914.3); c.1884G>C, p.Glu628Asp (NM_001290061.1); c.840G>C, p.Glu280Asp (NM_001290062.2, NM_001290063.2); c.1869G>C, p.Glu623Asp (NM_004636.4); short protein forms E280D, E622D, E623D, E628D.
Identifiers: ClinVar variation 3036007 (VCV003036007.2), dbSNP rs115642789, ClinGen allele CA2414191.

ClinVar aggregate classification (germline): Likely benign (0 of 4 stars; one submission).

Conditions:
SEMA3B-related disorder. Also called: SEMA3B-related condition.

Allele frequency attached by ClinVar (database versions not stated): ExAC 0.00026; TOPMed 0.00061; gnomAD 0.00064; 1000 Genomes Project 0.00080; 1000 Genomes Project 30x 0.00125.
gnomAD v4.1: 169 of 1,524,400 alleles (0.011%); highest among the groups gnomAD compares: African/African-American, 0.2%; no homozygotes.

Submission:

PreventionGenetics, part of Exact Sciences
Classification: Likely benign for SEMA3B-related condition. Last evaluated: 2022-04-01. Review status: no assertion criteria provided. Collection method: clinical testing. Allele origin: germline.
Comment: This variant is classified as likely benign based on ACMG/AMP sequence variant interpretation guidelines (Richards et al. 2015 PMID: 25741868, with internal and published modifications).